The following is an entry in ClinVar:

NM_000400.4(ERCC2):c.2133C>T (p.Asp711=)

Gene: ERCC2 (ERCC excision repair 2, TFIIH core complex helicase subunit; minus strand). Cytogenetic location: 19q13.32.
Variant type: single nucleotide variant.
Coding change: c.2133C>T on transcript NM_000400.4 (MANE Select); coding-DNA position 2133, C replaced by T.
Protein change: p.Asp711=; no amino-acid change (aspartic acid 711 retained).
Molecular consequence: synonymous variant.
Genome position (GRCh38, 1-based): chr19:45,352,266, G>A on the plus strand (C>T on the coding strand, the complement: ERCC2 is on the minus strand). VCF-style: chr19-45352266-G-A. GRCh37 (hg19) VCF-style: chr19-45855524-G-A.
Identifiers: ClinVar variation 256018 (VCV000256018.27), dbSNP rs1052555, ClinGen allele CA9512874.

ClinVar aggregate classification (germline): Benign/Likely benign. Review status: criteria provided, multiple submitters, no conflicts (2 of 4 stars). 12 submissions from 10 submitters: Benign (9); Likely benign (1). 2 of the submissions do not count toward it. Last evaluated 2026-02-04.

Conditions:
Trichothiodystrophy 1, photosensitive (TTD1). Also called: TAY SYNDROME; TRICHOTHIODYSTROPHY WITH CONGENITAL ICHTHYOSIS; PIBIDS SYNDROME. Identifiers: Orphanet 33364, MedGen C1866504, MONDO:0011125, OMIM 601675.
Xeroderma pigmentosum, group D (XPD). Also called: XERODERMA PIGMENTOSUM, COMPLEMENTATION GROUP D; XERODERMA PIGMENTOSUM IV; XP, GROUP D; XP, GROUP H; ERCC2-Related Xeroderma Pigmentosum. Identifiers: MedGen C0268138, MONDO:0010212, OMIM 278730.
Cerebrooculofacioskeletal syndrome 2 (COFS2). Identifiers: MedGen C1853102, MONDO:0012553, OMIM 610756.

Allele frequency attached by ClinVar (database versions not stated): 1000 Genomes Project 30x 0.18082; 1000 Genomes Project 0.18231; TOPMed 0.23012; gnomAD 0.25429 and 0.25433; ESP Exome Variant Server 0.25873; gnomAD exomes 0.28164; ExAC 0.28591.

Submissions (12):

Labcorp Genetics (formerly Invitae), Labcorp
Classification: Benign. Last evaluated: 2026-02-04. Review status: criteria provided, single submitter. Criteria: Invitae Variant Classification Sherloc (09022015). Collection method: clinical testing. Allele origin: germline.

Blueprint Genetics
Classification: Likely benign. Last evaluated: 2024-11-28. Review status: criteria provided, single submitter. Criteria: ACMG Guidelines, 2015. Collection method: clinical testing. Allele origin: germline.

Genome-Nilou Lab
Classification: Benign for Cerebrooculofacioskeletal syndrome 2. Last evaluated: 2021-07-30. Review status: criteria provided, single submitter. Criteria: ACMG Guidelines, 2015. Collection method: clinical testing. Allele origin: germline. Affected: no.

Genome-Nilou Lab
Classification: Benign for Trichothiodystrophy 1, photosensitive. Last evaluated: 2021-07-30. Review status: criteria provided, single submitter. Criteria: ACMG Guidelines, 2015. Collection method: clinical testing. Allele origin: germline. Affected: no.

Genome-Nilou Lab
Classification: Benign for Xeroderma pigmentosum, group D. Last evaluated: 2021-07-30. Review status: criteria provided, single submitter. Criteria: ACMG Guidelines, 2015. Collection method: clinical testing. Allele origin: germline. Affected: no.

GeneDx
Classification: Benign. Last evaluated: 2019-03-01. Review status: criteria provided, single submitter. Criteria: GeneDx Variant Classification Process June 2021. Collection method: clinical testing. Allele origin: germline. Affected: yes.
Comment: This variant is associated with the following publications: (PMID: 15834925)

Illumina Laboratory Services, Illumina
Classification: Benign for Xeroderma pigmentosum, group D. Last evaluated: 2018-03-06. Review status: criteria provided, single submitter. Criteria: ICSL Variant Classification Criteria 13 December 2019. Collection method: clinical testing. Allele origin: germline.
Comment: This variant was observed in the ICSL laboratory as part of a predisposition screen in an ostensibly healthy population. It had not been previously curated by ICSL or reported in the Human Gene Mutation Database (HGMD: prior to June 1st, 2018), and was therefore a candidate for classification through an automated scoring system. Utilizing variant allele frequency, disease prevalence and penetrance estimates, and inheritance mode, an automated score was calculated to assess if this variant is too frequent to cause the disease. Based on the score and internal cut-off values, a variant classified as benign is not then subjected to further curation. The score for this variant resulted in a classification of benign for this disease.

Laboratory for Molecular Medicine, Mass General Brigham Personalized Medicine
Classification: Benign. Last evaluated: 2016-03-28. Review status: criteria provided, single submitter. Criteria: LMM Criteria. Collection method: clinical testing. Allele origin: germline.
Comment: Variant identified in a genome or exome case(s) and assessed due to predicted null impact of the variant or pathogenic assertions in the literature or databases. Disclaimer: This variant has not undergone full assessment. The following are preliminary notes: Frequency, variant associated with reduced cancer risk

Breakthrough Genomics
Classification: Benign. Review status: criteria provided, single submitter. Criteria: ACMG Guidelines, 2015. Collection method: not provided. Allele origin: germline. Inheritance: Autosomal recessive inheritance. Affected: yes.

PreventionGenetics, part of Exact Sciences
Classification: Benign. Review status: criteria provided, single submitter. Criteria: ACMG Guidelines, 2015. Collection method: clinical testing. Allele origin: germline.

Clinical Genetics DNA and cytogenetics Diagnostics Lab, Erasmus MC, Erasmus Medical Center
Classification: Benign. Review status: no assertion criteria provided. Collection method: clinical testing. Allele origin: germline. Affected: yes. Study: VKGL Data-share Consensus. Not counted in ClinVar's aggregate classification.

Diagnostic Laboratory, Department of Genetics, University Medical Center Groningen
Classification: Benign. Review status: no assertion criteria provided. Collection method: clinical testing. Allele origin: germline. Affected: yes. Study: VKGL Data-share Consensus. Not counted in ClinVar's aggregate classification.